The following is an entry in ClinVar:

ClinVar aggregate classification (germline): Uncertain significance. Review status: criteria provided, multiple submitters, no conflicts (2 of 4 stars). 2 submissions from 2 submitters: Uncertain significance (2). Last evaluated 2024-08-19.

Conditions:
Colorectal cancer, hereditary nonpolyposis, type 7. Identifiers: Orphanet 144, MedGen C1858380, MONDO:0013725, OMIM 614385.

Submissions (2):

Ambry Genetics
Classification: Uncertain significance. Last evaluated: 2024-08-19. Review status: criteria provided, single submitter. Criteria: Ambry Variant Classification Scheme 2023. Collection method: clinical testing. Allele origin: germline.
Comment: The p.P1452S variant (also known as c.4354C>T), located in coding exon 12 of the MLH3 gene, results from a C to T substitution at nucleotide position 4354. The proline at codon 1452 is replaced by serine, an amino acid with similar properties. This amino acid position is conserved. In addition, the in silico prediction for this alteration is inconclusive. Based on the available evidence, the clinical significance of this variant remains unclear.

Labcorp Genetics (formerly Invitae), Labcorp
Classification: Uncertain significance for Colorectal cancer, hereditary nonpolyposis, type 7. Last evaluated: 2023-03-01. Review status: criteria provided, single submitter. Criteria: Invitae Variant Classification Sherloc (09022015). Collection method: clinical testing. Allele origin: germline.
Comment: In summary, the available evidence is currently insufficient to determine the role of this variant in disease. Therefore, it has been classified as a Variant of Uncertain Significance. Algorithms developed to predict the effect of sequence changes on RNA splicing suggest that this variant may create or strengthen a splice site. An algorithm developed to predict the effect of missense changes on protein structure and function (PolyPhen-2) suggests that this variant is likely to be disruptive. This variant has not been reported in the literature in individuals affected with MLH3-related conditions. This variant is not present in population databases (gnomAD no frequency). This sequence change replaces proline, which is neutral and non-polar, with serine, which is neutral and polar, at codon 1452 of the MLH3 protein (p.Pro1452Ser).

NM_001040108.2(MLH3):c.4354C>T (p.Pro1452Ser)

Gene: MLH3 (mutL homolog 3; minus strand). Cytogenetic location: 14q24.3.
Variant type: single nucleotide variant.
Coding change: c.4354C>T on transcript NM_001040108.2 (MANE Select); coding-DNA position 4354, C replaced by T.
Protein change: p.Pro1452Ser; replaces proline 1452 with serine.
Molecular consequence: missense variant.
Genome position (GRCh38, 1-based): chr14:75,017,090, G>A on the plus strand (C>T on the coding strand, the complement: MLH3 is on the minus strand). VCF-style: chr14-75017090-G-A. GRCh37 (hg19) VCF-style: chr14-75483793-G-A.
Other names: c.4282C>T, p.Pro1428Ser (NM_014381.3); short protein forms P1428S, P1452S.
Identifiers: ClinVar variation 2841676 (VCV002841676.4), dbSNP rs1362124907, ClinGen allele CA390417457.